The following is an entry in ClinVar:

NM_002691.4(POLD1):c.1046C>G (p.Pro349Arg)

Gene: POLD1 (DNA polymerase delta 1, catalytic subunit; plus strand). Cytogenetic location: 19q13.33.
Variant type: single nucleotide variant.
Coding change: c.1046C>G on transcript NM_002691.4 (MANE Select); coding-DNA position 1046, C replaced by G.
Protein change: p.Pro349Arg; replaces proline 349 with arginine.
Molecular consequence: missense variant. On other transcripts: non-coding transcript variant (1).
Genome position (GRCh38, 1-based): chr19:50,403,128, C>G. VCF-style: chr19-50403128-C-G. GRCh37 (hg19) VCF-style: chr19-50906385-C-G.
Other names: c.1046C>G, p.Pro349Arg (NM_001256849.1, NM_001308632.1); short protein forms P349R.
Identifiers: ClinVar variation 2027301 (VCV002027301.4), dbSNP rs2513973393, ClinGen allele CA406978141.

ClinVar aggregate classification (germline): Uncertain significance (1 of 4 stars; one submission).

Conditions:
POLD1-related polyposis and colorectal cancer syndrome (CRCS10). Also called: Colorectal cancer 10; COLORECTAL CANCER, SUSCEPTIBILITY TO, ON CHROMOSOME 19q; Colorectal cancer, susceptibility to, 10. Identifiers: Orphanet 220460, MedGen C2675481, MONDO:0012953, OMIM 612591.

Submission:

Labcorp Genetics (formerly Invitae), Labcorp
Classification: Uncertain significance for POLD1-related polyposis and colorectal cancer syndrome. Last evaluated: 2021-12-02. Review status: criteria provided, single submitter. Criteria: Invitae Variant Classification Sherloc (09022015). Collection method: clinical testing. Allele origin: germline.
Comment: In summary, the available evidence is currently insufficient to determine the role of this variant in disease. Therefore, it has been classified as a Variant of Uncertain Significance. Algorithms developed to predict the effect of missense changes on protein structure and function are either unavailable or do not agree on the potential impact of this missense change (SIFT: "Deleterious"; PolyPhen-2: "Probably Damaging"; Align-GVGD: "Class C0"). This variant has not been reported in the literature in individuals affected with POLD1-related conditions. This variant is not present in population databases (gnomAD no frequency). This sequence change replaces proline, which is neutral and non-polar, with arginine, which is basic and polar, at codon 349 of the POLD1 protein (p.Pro349Arg).